The following is an entry in ClinVar:

NM_033380.3(COL4A5):c.4057G>T (p.Glu1353Ter)

Gene: COL4A5 (collagen type IV alpha 5 chain; plus strand). Cytogenetic location: Xq22.3.
Variant type: single nucleotide variant.
Coding change: c.4057G>T on transcript NM_033380.3 (MANE Select); coding-DNA position 4057, G replaced by T.
Protein change: p.Glu1353Ter; replaces glutamic acid 1353 with a stop codon.
Molecular consequence: nonsense.
Genome position (GRCh38, 1-based): chrX:108,680,926, G>T. VCF-style: chrX-108680926-G-T. GRCh37 (hg19) VCF-style: chrX-107924156-G-T.
Other names: c.4039G>T, p.Glu1347Ter (NM_000495.5); short protein forms E1347*, E1353*.
Identifiers: ClinVar variation 1724781 (VCV001724781.2), dbSNP rs2524613304, ClinGen allele CA413851176.
Genomic context (GRCh38, chrX:108,680,926, plus strand): 5'-GTATGTACCTTCTGTGCAGGCATGAAAGGACCCAGTGGAGTACCTGGATCAGCTGGCCCT[G>T]AGGGGGAACCGGGACTTATTGGTCCTCCAGGTAAGACTTATTCCTGAAGATAGTTATACC-3'

ClinVar aggregate classification (germline): Likely pathogenic (1 of 4 stars; one submission).

Conditions:
X-linked Alport syndrome (ATS1). Also called: COL4A5-Related Nephropathy; NEPHROPATHY AND DEAFNESS, X-LINKED. Identifiers: Orphanet 63, Orphanet 88917, MedGen C4746986, MONDO:0010520, OMIM 301050.

Submission:

Myriad Genetics, Inc.
Classification: Likely pathogenic for X-linked Alport syndrome. Last evaluated: 2021-11-19. Review status: criteria provided, single submitter. Criteria: Myriad Women's Health Autosomal Recessive and X-Linked Classification Criteria (2021). Collection method: clinical testing. Allele origin: unknown.
Comment: NM_000495.4(COL4A5):c.4039G>T(E1347*) is expected to be pathogenic in the context of X-linked Alport syndrome. This variant is predicted to lead to an abnormal or absent protein product due to the creation of a premature termination codon in COL4A5, a gene where loss-of-function variants are known to be pathogenic. Please note: this variant was assessed in the context of healthy population screening.